The following is an entry in ClinVar:

ClinVar aggregate classification (germline): Benign (1 of 4 stars; one submission).

Conditions:
Autosomal dominant cerebellar ataxia. Also called: Spinocerebellar Ataxia, Dominant. Identifiers: Orphanet 99, MedGen C4087347, MONDO:0020380.

Allele frequency attached by ClinVar (database versions not stated): TOPMed 0.00010; 1000 Genomes Project 0.00040; 1000 Genomes Project 30x 0.00078.

Submission:

Illumina Laboratory Services, Illumina
Classification: Benign for Spinocerebellar Ataxia, Dominant. Last evaluated: 2018-01-12. Review status: criteria provided, single submitter. Criteria: ICSL Variant Classification Criteria 13 December 2019. Collection method: clinical testing. Allele origin: germline.
Comment: This variant was observed in the ICSL laboratory as part of a predisposition screen in an ostensibly healthy population. It had not been previously curated by ICSL or reported in the Human Gene Mutation Database (HGMD: prior to June 1st, 2018), and was therefore a candidate for classification through an automated scoring system. Utilizing variant allele frequency, disease prevalence and penetrance estimates, and inheritance mode, an automated score was calculated to assess if this variant is too frequent to cause the disease. Based on the score and internal cut-off values, a variant classified as benign is not then subjected to further curation. The score for this variant resulted in a classification of benign for this disease.

NM_001378452.1(ITPR1):c.-341A>T

Gene: ITPR1 (inositol 1,4,5-trisphosphate receptor type 1; plus strand). Cytogenetic location: 3p26.1.
Variant type: single nucleotide variant.
Coding change: c.-341A>T on transcript NM_001378452.1 (MANE Select); 341 bases upstream of the start codon, A replaced by T.
Molecular consequence: 5 prime UTR variant.
Genome position (GRCh38, 1-based): chr3:4,493,357, A>T. VCF-style: chr3-4493357-A-T. GRCh37 (hg19) VCF-style: chr3-4535041-A-T.
Other names: c.-341A>T (NM_001099952.4, NM_001168272.2, NM_002222.7).
Identifiers: ClinVar variation 902256 (VCV000902256.4), dbSNP rs565843811, ClinGen allele CA69314852.